The following is an entry in ClinVar:

ClinVar aggregate classification (germline): Likely benign. Review status: criteria provided, multiple submitters, no conflicts (2 of 4 stars). 5 submissions from 5 submitters: Likely benign (5). Last evaluated 2026-01-21.

Conditions:
ACTC1-related disorder. Also called: ACTC1-related condition.
Cardiovascular phenotype. Identifiers: MedGen CN230736.
Atrial septal defect 5 (ASD5). Identifiers: Orphanet 1478, MedGen C2748552, MONDO:0013011, OMIM 612794.
Dilated cardiomyopathy 1R (CMD1R). Identifiers: Orphanet 154, Orphanet 54260, MedGen C3150681, MONDO:0013261, OMIM 613424.
Hypertrophic cardiomyopathy 11. Also called: ACTC1-Related Familial Hypertrophic Cardiomyopathy. Identifiers: MedGen C2677506, MONDO:0012799, OMIM 612098.
Cardiomyopathy (CMYO). Also called: Cardiomyopathies. Identifiers: Orphanet 167848, MedGen C0878544, MONDO:0004994, HP:0001638. Inheritance: Various modes of inheritance.

Allele frequency attached by ClinVar (database versions not stated): gnomAD 0.00001; TOPMed 0.00002.

Submissions (5):

PreventionGenetics, part of Exact Sciences
Classification: Likely benign for ACTC1-related condition. Last evaluated: 2026-01-21. Review status: criteria provided, single submitter. Criteria: ACMG Guidelines, 2015. Collection method: clinical testing. Allele origin: germline.
Comment: This variant is classified as likely benign based on ACMG/AMP sequence variant interpretation guidelines (Richards et al. 2015 PMID: 25741868, with internal and published modifications).

Labcorp Genetics (formerly Invitae), Labcorp
Classification: Likely benign for Dilated cardiomyopathy 1R; Hypertrophic cardiomyopathy 11; Atrial septal defect 5. Last evaluated: 2025-12-03. Review status: criteria provided, single submitter. Criteria: Invitae Variant Classification Sherloc (09022015). Collection method: clinical testing. Allele origin: germline.

Ambry Genetics
Classification: Likely benign for Cardiovascular phenotype. Last evaluated: 2021-10-01. Review status: criteria provided, single submitter. Criteria: Ambry Variant Classification Scheme 2023. Collection method: clinical testing. Allele origin: germline.

Color Diagnostics, LLC DBA Color Health
Classification: Likely benign for Cardiomyopathy. Last evaluated: 2019-06-10. Review status: criteria provided, single submitter. Criteria: ACMG Guidelines, 2015. Collection method: clinical testing. Allele origin: germline.

GeneDx
Classification: Likely benign. Last evaluated: 2017-04-05. Review status: criteria provided, single submitter. Criteria: GeneDx Variant Classification (06012015). Collection method: clinical testing. Allele origin: germline. Affected: yes.
Comment: This variant is considered likely benign or benign based on one or more of the following criteria: it is a conservative change, it occurs at a poorly conserved position in the protein, it is predicted to be benign by multiple in silico algorithms, and/or has population frequency not consistent with disease.

NM_005159.5(ACTC1):c.663C>T (p.Val221=)

Genes: ACTC1 (actin alpha cardiac muscle 1; minus strand), GJD2-DT (GJD2 divergent transcript; plus strand). Cytogenetic location: 15q14.
Variant type: single nucleotide variant.
Coding change: c.663C>T on transcript NM_005159.5 (MANE Select); coding-DNA position 663, C replaced by T.
Protein change: p.Val221=; no amino-acid change (valine 221 retained).
Molecular consequence: synonymous variant.
Genome position (GRCh38, 1-based): chr15:34,792,235, G>A on the plus strand (C>T on the coding strand, the complement: ACTC1 is on the minus strand). VCF-style: chr15-34792235-G-A. GRCh37 (hg19) VCF-style: chr15-35084436-G-A.
Other names: c.663C>T (LRG_388t1).
Identifiers: ClinVar variation 508728 (VCV000508728.16), dbSNP rs766868624, ClinGen allele CA042505.
Genomic context (GRCh38, chr15:34,792,235, plus strand): 5'-GCTCTTCTCCAGGGAGGAGGAAGAGGCAGCTGTGGCCATCTCATTCTCAAAATCCAGGGC[G>A]ACATAGCACAGCTTCTCTTTAATGTCACGGACAATTTCACGTTCAGCTACAGAAATAAAG-3'
Protein context (NP_005150.1, residues 211-231): VRDIKEKLCY[Val221=]ALDFENEMAT